The following is an entry in ClinVar:

NM_000202.8(IDS):c.597_608del (p.Ser201_Gln204del)

Genes: IDS (iduronate 2-sulfatase; minus strand), LOC106050102 (IDS recombination region; plus strand). Cytogenetic location: Xq28.
Variant type: Deletion.
Coding change: c.597_608del on transcript NM_000202.8 (MANE Select); coding-DNA positions 597 to 608, 12 bases deleted (ACAGAGCACTGA).
Protein change: p.Ser201_Gln204del.
Molecular consequence: inframe deletion. On other transcripts: non-coding transcript variant (1).
Genome position (GRCh38, 1-based): chrX:149,498,207-149,498,218, TCAGTGCTCTGT deleted on the plus strand (ACAGAGCACTGA on the coding strand, the reverse complement: IDS is on the minus strand); deleting any 12 consecutive bases within chrX:149,498,207-149,498,219 gives the same sequence; the c. name uses the placement nearest the transcript's 3' end. VCF-style (leftmost placement, unchanged base first): chrX-149498206-CTCAGTGCTCTGT-C. GRCh37 (hg19) VCF-style: chrX-148579737-CTCAGTGCTCTGT-C.
Other names: c.327_338del, p.Ser111_Gln114del (NM_001166550.4); c.597_608del, p.Ser201_Gln204del (NM_006123.5).
Identifiers: ClinVar variation 3255778 (VCV003255778.2).

ClinVar aggregate classification (germline): Likely pathogenic (1 of 4 stars; one submission).

Conditions:
Mucopolysaccharidosis, MPS-II (MPS2). Also called: Hunter Syndrome; IDURONATE 2-SULFATASE DEFICIENCY; Mucopolysaccharidosis Type II; Mucopolysaccharidosis type 2; Attenuated MPS (subtype; formerly known as mild MPS II); Severe MPS II. Identifiers: Orphanet 580, Orphanet 79388, MedGen C0026705, MONDO:0010674, OMIM 309900.

Submission:

Laboratory of Diagnosis and Therapy of Lysosomal Disorders, University of Padova
Classification: Likely pathogenic for Mucopolysaccharidosis, MPS-II. Last evaluated: 2024-06-07. Review status: criteria provided, single submitter. Criteria: ACMG Guidelines, 2015. Collection method: literature only. Allele origin: germline. Affected: yes. Observed: 1 variant allele.
Comment: Absent from controls (or at low frequency) in gnomAD database (PM2_Moderate), Protein length changes in a nonrepeat region or stop–loss variants (PM4_Moderate), Multiple lines of computational evidence support a deleterious effect (PP3_Supporting), Patient’s phenotype or family history highly specific for the disease (PP4_Strong)

Classification method: ACMG Guidelines [PMID:25741868] with modifications

Literature cited by the submitters: PubMed 25681085.